The following is an entry in ClinVar:

ClinVar aggregate classification (somatic clinical impact): Tier II - Potential (1 of 4 stars; one submission).

Conditions:
Diffuse midline glioma, H3 K27M-mutant. Identifiers: MedGen C4289688, MONDO:0957196.

Submission:

Institute for Genomic Medicine (IGM) Clinical Laboratory, Nationwide Children's Hospital
Classification: Tier II - Potential for Diffuse midline glioma, H3 K27M-mutant. Assertion type: diagnostic. Clinical significance: supports diagnosis. Last evaluated: 2025-06-12. Review status: criteria provided, single submitter. Criteria: AMP/ASCO/CAP Guidelines, 2017. Collection method: clinical testing. Allele origin: somatic. Affected: yes.
Comment: Variant has Tier II (potential) clinical significance as a diagnostic inclusion criterion in diffuse midline glioma, H3 K27M-mutant, based on the following evidence: 1) Assists in diagnosis alone or along with other biomarkers based on small studies or few case reports (Evidence Level D; PMIDs: 31748746, 29489754, 31841105, 18064648).

Literature cited by the submitters: PubMed 31748746; PubMed 29489754; PubMed 31841105; PubMed 18064648.

NM_005633.4(SOS1):c.268_272inv (p.Ala90_Gln91delinsTrpAla)

Gene: SOS1 (SOS Ras/Rac guanine nucleotide exchange factor 1; minus strand). Cytogenetic location: 2p22.1.
Variant type: Inversion.
Coding change: c.268_272inv on transcript NM_005633.4 (MANE Select).
Protein change: p.Ala90_Gln91delinsTrpAla.
Molecular consequence: missense variant.
Genome position: GRCh38 VCF-style: chr2-39058746-TGGGC-GCCCA. GRCh37 (hg19) VCF-style: chr2-39285887-TGGGC-GCCCA.
Other names: c.268_272delinsTGGGC (NM_005633.4); c.247_251inv, p.Ala83_Gln84delinsTrpAla (NM_001382394.1); c.268_272inv, p.Ala90_Gln91delinsTrpAla (NM_001382395.1).
Identifiers: ClinVar variation 4530295 (VCV004530295.1).